The following is an entry in ClinVar:

ClinVar aggregate classification (germline): Uncertain significance. Review status: criteria provided, multiple submitters, no conflicts (2 of 4 stars). 5 submissions from 5 submitters: Uncertain significance (5). Last evaluated 2026-07-21.

Conditions:
BEST1-related disorder. Also called: BEST1-related disorders; BEST1-related condition. Identifiers: MedGen CN239200.
Cone-rod dystrophy 6 (CORD6). Also called: Cone dystrophy progressive; RETINAL CONE DYSTROPHY 2. Identifiers: Orphanet 1872, MedGen C1866293, MONDO:0011143, OMIM 601777.

Allele frequency attached by ClinVar (database versions not stated): TOPMed 0.00001.
gnomAD v4.1: 41 of 1,610,574 alleles (0.0025%); highest among the groups gnomAD compares: Admixed American, 0.032%; no homozygotes.

Submissions (5):

PreventionGenetics, part of Exact Sciences
Classification: Uncertain significance for BEST1-related condition. Last evaluated: 2026-07-21. Review status: criteria provided, single submitter. Criteria: ACMG Guidelines, 2015. Collection method: clinical testing. Allele origin: germline.
Comment: The BEST1 c.1067G>A variant is predicted to result in the amino acid substitution p.Arg356Gln. To our knowledge, this variant has not been reported in the literature in individuals with BEST-related disease. This variant is present in 0.041% of alleles in individuals of Latino descent in gnomAD. At this time, the clinical significance of this variant is uncertain due to the absence of conclusive functional and genetic evidence.

Labcorp Genetics (formerly Invitae), Labcorp
Classification: Uncertain significance. Last evaluated: 2024-12-16. Review status: criteria provided, single submitter. Criteria: Invitae Variant Classification Sherloc (09022015). Collection method: clinical testing. Allele origin: germline.
Comment: This sequence change replaces arginine, which is basic and polar, with glutamine, which is neutral and polar, at codon 356 of the BEST1 protein (p.Arg356Gln). This variant is present in population databases (rs751707411, gnomAD 0.05%). This variant has not been reported in the literature in individuals affected with BEST1-related conditions. ClinVar contains an entry for this variant (Variation ID: 390960). Invitae Evidence Modeling of protein sequence and biophysical properties (such as structural, functional, and spatial information, amino acid conservation, physicochemical variation, residue mobility, and thermodynamic stability) has been performed for this missense variant. However, the output from this modeling did not meet the statistical confidence thresholds required to predict the impact of this variant on BEST1 protein function. In summary, the available evidence is currently insufficient to determine the role of this variant in disease. Therefore, it has been classified as a Variant of Uncertain Significance.

Blueprint Genetics
Classification: Uncertain significance. Last evaluated: 2024-10-30. Review status: criteria provided, single submitter. Criteria: ACMG Guidelines, 2015. Collection method: clinical testing. Allele origin: germline.

GeneDx
Classification: Uncertain significance. Last evaluated: 2016-12-05. Review status: criteria provided, single submitter. Criteria: GeneDx Variant Classification (06012015). Collection method: clinical testing. Allele origin: germline. Affected: yes.
Comment: The R356Q variant in the BEST1 gene has not been reported previously as a pathogenic variant, nor as a benign variant, to our knowledge. The R356Q variant was not observed in approximately 6500 individuals of European and African American ancestry in the NHLBI Exome Sequencing Project, indicating it is not a common benign variant in these populations. The R356Q variant is a semi-conservative amino acid substitution, which may impact secondary protein structure as these residues differ in some properties. This substitution occurs at a position where amino acids with similar properties to Arginine are tolerated across species. In silico analysis is inconsistent in its predictions as to whether or not the variant is damaging to the protein structure/function. We interpret R356Q as a variant of uncertain significance.

Noruzinia Laboratory, Tarbiat Modares University
Classification: Uncertain significance for Cone-rod dystrophy 6. Review status: criteria provided, single submitter. Criteria: ACMG Guidelines, 2015. Collection method: clinical testing. Allele origin: inherited. Inheritance: Autosomal recessive inheritance. Affected: yes. Observed: 1 heterozygote.
Comment: This variant possibly associates with a pathogenic mutation in GUCY2D to develop Cone-rod dystrophy-6 disease. It is possible to hypothesize a double heterozygosity scenario to explain the condition. The c.887G>A variant is present in heterozygote state in healthy participants.

NM_004183.4(BEST1):c.1067G>A (p.Arg356Gln)

Gene: BEST1 (bestrophin 1; plus strand). Cytogenetic location: 11q12.3.
Variant type: single nucleotide variant.
Coding change: c.1067G>A on transcript NM_004183.4 (MANE Select); coding-DNA position 1067, G replaced by A.
Protein change: p.Arg356Gln; replaces arginine 356 with glutamine.
Molecular consequence: missense variant. On other transcripts: non-coding transcript variant (1).
Genome position (GRCh38, 1-based): chr11:61,960,010, G>A. VCF-style: chr11-61960010-G-A. GRCh37 (hg19) VCF-style: chr11-61727482-G-A.
Other names: c.887G>A, p.Arg296Gln (NM_001139443.3, NM_001300787.2); c.806G>A, p.Arg269Gln (NM_001300786.2); c.749G>A, p.Arg250Gln (NM_001363591.3); c.1270G>A, p.Glu424Lys (NM_001363592.2); c.95G>A, p.Arg32Gln (NM_001363593.3); short protein forms R356Q, E424K, R250Q, R269Q, R296Q, R32Q.
Identifiers: ClinVar variation 390960 (VCV000390960.11), dbSNP rs751707411, ClinGen allele CA6040977.